The following is an entry in ClinVar:

NM_001077365.2(POMT1):c.1416C>T (p.Val472=)

Gene: POMT1 (protein O-mannosyltransferase 1; plus strand). Cytogenetic location: 9q34.13.
Variant type: single nucleotide variant.
Coding change: c.1416C>T on transcript NM_001077365.2 (MANE Select); coding-DNA position 1416, C replaced by T.
Protein change: p.Val472=; no amino-acid change (valine 472 retained).
Molecular consequence: synonymous variant. On other transcripts: non-coding transcript variant (10), intron variant (1).
Genome position (GRCh38, 1-based): chr9:131,518,887, C>T. VCF-style: chr9-131518887-C-T. GRCh37 (hg19) VCF-style: chr9-134394274-C-T.
Other names: c.1254C>T, p.Val418= (NM_001077366.2, NM_001353194.2); c.1416C>T, p.Val472= (NM_001136113.2); c.1065C>T, p.Val355= (NM_001136114.2, NM_001353195.2, NM_001374691.1 and 2 more transcripts); c.1482C>T, p.Val494= (NM_001353193.2, NM_007171.4); c.1326C>T, p.Val442= (NM_001353196.2); c.1320C>T, p.Val440= (NM_001353197.2, NM_001353198.2); c.1131C>T, p.Val377= (NM_001353199.2); c.960C>T, p.Val320= (NM_001353200.2); and 3 more.
Identifiers: ClinVar variation 95458 (VCV000095458.51), dbSNP rs139687326, ClinGen allele CA148550.
Genomic context (GRCh38, chr9:131,518,887, plus strand): 5'-GTGTCACCAGCTGAGCGGGGCTCACCTCCCTGACTGGGGGTATCGGCAACTGGAGATCGT[C>T]GGGGAGAAGCTGTCCCGGGGCTACCACGGGAGCACGGTGTGGAACGTGGAGGAGCACCGA-3'
Protein context (NP_001070833.1, residues 462-482): PDWGYRQLEI[Val472=]GEKLSRGYHG

ClinVar aggregate classification (germline): Conflicting classifications of pathogenicity. Review status: criteria provided, conflicting classifications (1 of 4 stars). 8 submissions from 8 submitters: Uncertain significance (1); Benign (2); Likely benign (4). 1 of the submissions does not count toward it. Last evaluated 2026-07-01.

Conditions:
Walker-Warburg congenital muscular dystrophy. Also called: Muscular dystrophy-dystroglycanopathy, type A; Walker-Warburg syndrome. Identifiers: Orphanet 899, MedGen C0265221, MONDO:0000171.
Muscular dystrophy-dystroglycanopathy (congenital with impaired intellectual development), type B, 1. Also called: Muscular dystrophy-dystroglycanopathy (congenital with intellectual disability), type B1; MUSCULAR DYSTROPHY, CONGENITAL, POMT1-RELATED. Identifiers: MedGen C5436962, MONDO:0013159, OMIM 613155.
Autosomal recessive limb-girdle muscular dystrophy type 2K. Also called: MUSCULAR DYSTROPHY, LIMB-GIRDLE, TYPE 2K; MUSCULAR DYSTROPHY-DYSTROGLYCANOPATHY (LIMB-GIRDLE), TYPE C, 1. Identifiers: Orphanet 86812, MedGen C1836373, MONDO:0012248, OMIM 609308.
POMT1-related disorder. Also called: POMT1-related condition; POMT1-related disorders.

Allele frequency attached by ClinVar (database versions not stated): gnomAD exomes 0.00020 and 0.00055; ExAC 0.00066; 1000 Genomes Project 0.00120; 1000 Genomes Project 30x 0.00125; gnomAD 0.00208 and 0.00222; TOPMed 0.00221; ESP Exome Variant Server 0.00292.
gnomAD v4.1: 608 of 1,613,906 alleles (0.038%); highest among the groups gnomAD compares: African/African-American, 0.72%; 4 homozygotes.

Submissions (8):

CeGaT Center for Human Genetics Tuebingen
Classification: Likely benign. Last evaluated: 2026-07-01. Review status: criteria provided, single submitter. Criteria: CeGaT Center For Human Genetics Tuebingen Variant Classification Criteria Version 2. Collection method: clinical testing. Allele origin: germline. Affected: yes. Observed: 2 variant alleles.
Comment: POMT1: BP4, BP7

Labcorp Genetics (formerly Invitae), Labcorp
Classification: Benign for Muscular dystrophy-dystroglycanopathy (congenital with impaired intellectual development), type B, 1; Walker-Warburg congenital muscular dystrophy; Autosomal recessive limb-girdle muscular dystrophy type 2K. Last evaluated: 2026-01-26. Review status: criteria provided, single submitter. Criteria: Invitae Variant Classification Sherloc (09022015). Collection method: clinical testing. Allele origin: germline.

Blueprint Genetics
Classification: Likely benign. Last evaluated: 2024-10-08. Review status: criteria provided, single submitter. Criteria: ACMG Guidelines, 2015. Collection method: clinical testing. Allele origin: germline.

GeneDx
Classification: Likely benign. Last evaluated: 2020-12-30. Review status: criteria provided, single submitter. Criteria: GeneDx Variant Classification Process June 2021. Collection method: clinical testing. Allele origin: germline. Affected: yes.

Illumina Laboratory Services, Illumina
Classification: Uncertain significance for Autosomal recessive limb-girdle muscular dystrophy type 2K. Last evaluated: 2018-01-13. Review status: criteria provided, single submitter. Criteria: ICSL Variant Classification Criteria 13 December 2019. Collection method: clinical testing. Allele origin: germline.

Genetic Services Laboratory, University of Chicago
Classification: Likely benign. Last evaluated: 2016-07-22. Review status: criteria provided, single submitter. Criteria: ACMG Guidelines, 2015. Collection method: clinical testing. Allele origin: germline. Affected: no.

Eurofins Ntd Llc (ga)
Classification: Benign. Last evaluated: 2013-02-07. Review status: criteria provided, single submitter. Criteria: EGL Classification Definitions 2015. Collection method: clinical testing. Allele origin: germline. Observed: 1 variant allele, 1 heterozygote.

PreventionGenetics, part of Exact Sciences
Classification: Likely benign for POMT1-related condition. Last evaluated: 2019-06-11. Review status: no assertion criteria provided. Collection method: clinical testing. Allele origin: germline. Not counted in ClinVar's aggregate classification.
Comment: This variant is classified as likely benign based on ACMG/AMP sequence variant interpretation guidelines (Richards et al. 2015 PMID: 25741868, with internal and published modifications).